The following is an entry in ClinVar:

NM_001036.6(RYR3):c.9022G>A (p.Val3008Ile)

Gene: RYR3 (ryanodine receptor 3; plus strand). Cytogenetic location: 15q14.
Variant type: single nucleotide variant.
Coding change: c.9022G>A on transcript NM_001036.6 (MANE Select); coding-DNA position 9022, G replaced by A.
Protein change: p.Val3008Ile; replaces valine 3008 with isoleucine.
Molecular consequence: missense variant.
Genome position (GRCh38, 1-based): chr15:33,772,125, G>A. VCF-style: chr15-33772125-G-A. GRCh37 (hg19) VCF-style: chr15-34064326-G-A.
Other names: c.9022G>A, p.Val3008Ile (NM_001243996.4); short protein forms V3008I.
Identifiers: ClinVar variation 1040074 (VCV001040074.9), dbSNP rs772748749, ClinGen allele CA7460386.
Genomic context (GRCh38, chr15:33,772,125, plus strand): 5'-CAGAATATTAACTACACTACAGTGGCTCTGCTCCCCATCCTGACGTCCATCTTTGAGCAC[G>A]TCACTCAGCATCAGTTTGGAATGGATCTACTCTGTGAGTTCTACTGGTATTTGTCGTGGA-3'
Protein context (NP_001027.3, residues 2998-3018): LPILTSIFEH[Val3008Ile]TQHQFGMDLL

ClinVar aggregate classification (germline): Uncertain significance (1 of 4 stars; one submission).

Conditions:
Epileptic encephalopathy. Identifiers: MedGen C0543888, HP:0200134.

Allele frequency attached by ClinVar (database versions not stated): TOPMed below 0.00001; ExAC 0.00002; gnomAD exomes 0.00002.
gnomAD v4.1: 11 of 1,613,038 alleles (0.00068%); highest among the groups gnomAD compares: East Asian, 0.013%; no homozygotes.

Submission:

Labcorp Genetics (formerly Invitae), Labcorp
Classification: Uncertain significance for Epileptic encephalopathy. Last evaluated: 2020-02-18. Review status: criteria provided, single submitter. Criteria: Invitae Variant Classification Sherloc (09022015). Collection method: clinical testing. Allele origin: germline.
Comment: This sequence change replaces valine with isoleucine at codon 3008 of the RYR3 protein (p.Val3008Ile). The valine residue is moderately conserved and there is a small physicochemical difference between valine and isoleucine. This variant is present in population databases (rs772748749, ExAC 0.02%). This variant has not been reported in the literature in individuals with RYR3-related conditions. Algorithms developed to predict the effect of missense changes on protein structure and function output the following: SIFT: "Tolerated"; PolyPhen-2: "Benign"; Align-GVGD: "Class C0". The isoleucine amino acid residue is found in multiple mammalian species, suggesting that this missense change does not adversely affect protein function. These predictions have not been confirmed by published functional studies and their clinical significance is uncertain. In summary, the available evidence is currently insufficient to determine the role of this variant in disease. Therefore, it has been classified as a Variant of Uncertain Significance.